The following is an entry in ClinVar:

NM_000243.3(MEFV):c.2150G>A (p.Arg717His)

Genes: MEFV (MEFV innate immunity regulator, pyrin; minus strand), LOC126862264 (CDK7 strongly-dependent group 2 enhancer GRCh37_chr16:3293322-3294521; plus strand). Cytogenetic location: 16p13.3.
Variant type: single nucleotide variant.
Coding change: c.2150G>A on transcript NM_000243.3 (MANE Select); coding-DNA position 2150, G replaced by A.
Protein change: p.Arg717His; replaces arginine 717 with histidine.
Molecular consequence: missense variant. On other transcripts: 3 prime UTR variant (1).
Genome position (GRCh38, 1-based): chr16:3,243,337, C>T on the plus strand (G>A on the coding strand, the complement: MEFV is on the minus strand). VCF-style: chr16-3243337-C-T. GRCh37 (hg19) VCF-style: chr16-3293337-C-T.
Other names: c.*354G>A (NM_001198536.2); short protein forms R717H.
Identifiers: ClinVar variation 803178 (VCV000803178.9), dbSNP rs545517350, ClinGen allele CA276955068.

ClinVar aggregate classification (germline): Conflicting classifications of pathogenicity. Review status: criteria provided, conflicting classifications (1 of 4 stars). 7 submissions from 5 submitters: Uncertain significance (5); Likely benign (2). Last evaluated 2024-04-05.

Conditions:
Acute febrile neutrophilic dermatosis (AFND). Also called: Gomm Button disease; Sweet Syndrome. Identifiers: Orphanet 3243, MedGen C0085077, MONDO:0011959, OMIM 608068.
Familial Mediterranean fever, autosomal dominant. Also called: Dominant Familial Mediterranean Fever; FMF, AUTOSOMAL DOMINANT. Identifiers: Orphanet 342, MedGen C1851347, MONDO:0007601, OMIM 134610.
Familial Mediterranean fever (FMF). Also called: POLYSEROSITIS, FAMILIAL PAROXYSMAL; POLYSEROSITIS, RECURRENT; Periodic peritonitis; Benign paroxysmal peritonitis. Identifiers: Orphanet 342, MedGen C0031069, MONDO:0018088, OMIM 249100. Disease mechanism: gain of function.

Allele frequency attached by ClinVar (database versions not stated): TOPMed 0.00001.

Submissions (7):

Fulgent Genetics
Classification: Uncertain significance for Familial Mediterranean fever, autosomal dominant; Familial Mediterranean fever; Acute febrile neutrophilic dermatosis. Last evaluated: 2024-04-05. Review status: criteria provided, single submitter. Criteria: ACMG Guidelines, 2015. Collection method: clinical testing. Allele origin: germline.

Genome-Nilou Lab
Classification: Uncertain significance for Familial Mediterranean fever. Last evaluated: 2023-02-08. Review status: criteria provided, single submitter. Criteria: ACMG Guidelines, 2015. Collection method: clinical testing. Allele origin: germline.

Genome-Nilou Lab
Classification: Likely benign for Familial Mediterranean fever, autosomal dominant. Last evaluated: 2023-02-08. Review status: criteria provided, single submitter. Criteria: ACMG Guidelines, 2015. Collection method: clinical testing. Allele origin: germline.

Genome-Nilou Lab
Classification: Likely benign for Acute febrile neutrophilic dermatosis. Last evaluated: 2023-02-08. Review status: criteria provided, single submitter. Criteria: ACMG Guidelines, 2015. Collection method: clinical testing. Allele origin: germline.

Labcorp Genetics (formerly Invitae), Labcorp
Classification: Uncertain significance for Familial Mediterranean fever. Last evaluated: 2022-02-12. Review status: criteria provided, single submitter. Criteria: Invitae Variant Classification Sherloc (09022015). Collection method: clinical testing. Allele origin: germline.
Comment: This sequence change replaces arginine, which is basic and polar, with histidine, which is basic and polar, at codon 717 of the MEFV protein (p.Arg717His). This variant is present in population databases (rs545517350, gnomAD 0.009%). This missense change has been observed in individual(s) with periodic fever (PMID: 22281876). ClinVar contains an entry for this variant (Variation ID: 803178). Algorithms developed to predict the effect of missense changes on protein structure and function output the following: SIFT: "Tolerated"; PolyPhen-2: "Benign"; Align-GVGD: "Class C0". The histidine amino acid residue is found in multiple mammalian species, which suggests that this missense change does not adversely affect protein function. In summary, the available evidence is currently insufficient to determine the role of this variant in disease. Therefore, it has been classified as a Variant of Uncertain Significance.

Blueprint Genetics
Classification: Uncertain significance. Last evaluated: 2020-04-16. Review status: criteria provided, single submitter. Criteria: ACMG Guidelines, 2015. Collection method: clinical testing. Allele origin: germline.

Mendelics
Classification: Uncertain significance for Familial Mediterranean fever. Last evaluated: 2019-05-28. Review status: criteria provided, single submitter. Criteria: Mendelics Assertion Criteria 2017. Collection method: clinical testing. Allele origin: unknown.

Literature cited by the submitters: PubMed 22281876 (cited by Labcorp Genetics (formerly Invitae), Labcorp).